The following is an entry in ClinVar:

NM_001267550.2(TTN):c.56529G>A (p.Thr18843=)

Genes: TTN-AS1 (TTN antisense RNA 1; plus strand), TTN (titin; minus strand). Cytogenetic location: 2q31.2.
Variant type: single nucleotide variant.
Coding change: c.56529G>A on transcript NM_001267550.2 (MANE Select); coding-DNA position 56529, G replaced by A.
Protein change: p.Thr18843=; no amino-acid change (threonine 18843 retained).
Molecular consequence: synonymous variant.
Genome position (GRCh38, 1-based): chr2:178,599,264, C>T on the plus strand (G>A on the coding strand, the complement: TTN is on the minus strand). VCF-style: chr2-178599264-C-T. GRCh37 (hg19) VCF-style: chr2-179463991-C-T.
Other names: p.T16275T:ACG>ACA; p.Thr16275=; c.51606G>A, p.Thr17202= (NM_001256850.1); c.29334G>A, p.Thr9778= (NM_003319.4); c.48825G>A, p.Thr16275= (NM_133378.4); c.29709G>A, p.Thr9903= (NM_133432.3); c.29910G>A, p.Thr9970= (NM_133437.4).
Identifiers: ClinVar variation 47111 (VCV000047111.74), dbSNP rs72646827, ClinGen allele CA283470.

ClinVar aggregate classification (germline): Benign/Likely benign. Review status: criteria provided, multiple submitters, no conflicts (2 of 4 stars). 27 submissions from 20 submitters: Benign (15); Likely benign (6). 6 of the submissions do not count toward it. Last evaluated 2026-09-01.

Conditions:
Dilated cardiomyopathy 1G (CMD1G). Identifiers: Orphanet 154, MedGen C1858763, MONDO:0011400, OMIM 604145.
Autosomal recessive limb-girdle muscular dystrophy type 2J (LGMDR10). Also called: MUSCULAR DYSTROPHY, LIMB-GIRDLE, AUTOSOMAL RECESSIVE 10; Limb-girdle muscular dystrophy, type 2J. Identifiers: Orphanet 140922, MedGen C1837342, MONDO:0012127, OMIM 608807.
Cardiovascular phenotype. Identifiers: MedGen CN230736.
Cardiomyopathy (CMYO). Also called: Cardiomyopathies. Identifiers: Orphanet 167848, MedGen C0878544, MONDO:0004994, HP:0001638. Inheritance: Various modes of inheritance.
Early-onset myopathy with fatal cardiomyopathy (CMYO5). Also called: CONGENITAL MYOPATHY 5 WITH CARDIOMYOPATHY; Salih Myopathy. Identifiers: Orphanet 289377, MedGen C2673677, MONDO:0012714, OMIM 611705. Disease mechanism: loss of function.
Myopathy, myofibrillar, 9, with early respiratory failure (MFM9). Also called: Myopathy, distal, with early respiratory failure, autosomal dominant; Hereditary myopathy with early respiratory failure; MYOPATHY, PROXIMAL, WITH EARLY RESPIRATORY MUSCLE INVOLVEMENT; EDSTROM MYOPATHY. Identifiers: Orphanet 178464, Orphanet 34521, MedGen C1863599, MONDO:0011362, OMIM 603689.
Tibial muscular dystrophy (TMD). Also called: Udd Distal Myopathy – Tibial Muscular Dystrophy; Tibial muscular dystrophy, tardive; UDD MYOPATHY. Identifiers: Orphanet 609, MedGen C1838244, MONDO:0010870, OMIM 600334.

Allele frequency attached by ClinVar (database versions not stated): 1000 Genomes Project 0.00359; gnomAD exomes 0.00800 and 0.01096; gnomAD 0.00697 and 0.00678; ExAC 0.00892; 1000 Genomes Project 30x 0.00375; TOPMed 0.00703; ESP Exome Variant Server 0.00846.
gnomAD v4.1: 16,502 of 1,581,630 alleles (1%); highest among the groups gnomAD compares: Non-Finnish European, 1.3%; 102 homozygotes.

Submissions (27):

CeGaT Center for Human Genetics Tuebingen
Classification: Benign. Last evaluated: 2026-09-01. Review status: criteria provided, single submitter. Criteria: CeGaT Center For Human Genetics Tuebingen Variant Classification Criteria Version 2. Collection method: clinical testing. Allele origin: germline. Affected: yes. Observed: 61 variant alleles.
Comment: TTN: BP4, BP7, BS1, BS2

Labcorp Genetics (formerly Invitae), Labcorp
Classification: Benign for Dilated cardiomyopathy 1G; Autosomal recessive limb-girdle muscular dystrophy type 2J. Last evaluated: 2026-02-04. Review status: criteria provided, single submitter. Criteria: Invitae Variant Classification Sherloc (09022015). Collection method: clinical testing. Allele origin: germline.

ARUP Laboratories, Molecular Genetics and Genomics, ARUP Laboratories
Classification: Benign. Last evaluated: 2025-05-26. Review status: criteria provided, single submitter. Criteria: ARUP Molecular Germline Variant Investigation Process 2024. Collection method: clinical testing. Allele origin: germline.

Molecular Diagnostic Laboratory for Inherited Cardiovascular Disease, Montreal Heart Institute
Classification: Benign. Last evaluated: 2025-04-09. Review status: criteria provided, single submitter. Criteria: ACMG Guidelines, 2015. Collection method: clinical testing. Allele origin: germline. Affected: no.

Blueprint Genetics
Classification: Likely benign. Last evaluated: 2024-11-25. Review status: criteria provided, single submitter. Criteria: ACMG Guidelines, 2015. Collection method: clinical testing. Allele origin: germline.

Genome-Nilou Lab
Classification: Benign for Autosomal recessive limb-girdle muscular dystrophy type 2J. Last evaluated: 2021-09-10. Review status: criteria provided, single submitter. Criteria: ACMG Guidelines, 2015. Collection method: clinical testing. Allele origin: germline. Affected: no.

Genome-Nilou Lab
Classification: Benign for Myopathy, myofibrillar, 9, with early respiratory failure. Last evaluated: 2021-09-10. Review status: criteria provided, single submitter. Criteria: ACMG Guidelines, 2015. Collection method: clinical testing. Allele origin: germline. Affected: no.

Genome-Nilou Lab
Classification: Benign for Early-onset myopathy with fatal cardiomyopathy. Last evaluated: 2021-09-10. Review status: criteria provided, single submitter. Criteria: ACMG Guidelines, 2015. Collection method: clinical testing. Allele origin: germline. Affected: no.

Genome-Nilou Lab
Classification: Benign for Tibial muscular dystrophy. Last evaluated: 2021-09-10. Review status: criteria provided, single submitter. Criteria: ACMG Guidelines, 2015. Collection method: clinical testing. Allele origin: germline. Affected: no.

Women's Health and Genetics/Laboratory Corporation of America, LabCorp
Classification: Benign. Last evaluated: 2020-12-06. Review status: criteria provided, single submitter. Criteria: LabCorp Variant Classification Summary - May 2015. Collection method: clinical testing. Allele origin: germline.

Mayo Clinic Laboratories, Mayo Clinic
Classification: Benign. Last evaluated: 2018-02-20. Review status: criteria provided, single submitter. Criteria: ACMG Guidelines, 2015. Collection method: clinical testing. Allele origin: germline. Observed: 24 variant alleles.

Illumina Laboratory Services, Illumina
Classification: Benign for Myopathy, myofibrillar, 9, with early respiratory failure. Last evaluated: 2018-01-13. Review status: criteria provided, single submitter. Criteria: ICSL Variant Classification Criteria 13 December 2019. Collection method: clinical testing. Allele origin: germline.
Comment: This variant was observed in the ICSL laboratory as part of a predisposition screen in an ostensibly healthy population. It had not been previously curated by ICSL or reported in the Human Gene Mutation Database (HGMD: prior to June 1st, 2018), and was therefore a candidate for classification through an automated scoring system. Utilizing variant allele frequency, disease prevalence and penetrance estimates, and inheritance mode, an automated score was calculated to assess if this variant is too frequent to cause the disease. Based on the score and internal cut-off values, a variant classified as benign is not then subjected to further curation. The score for this variant resulted in a classification of benign for this disease.

Illumina Laboratory Services, Illumina
Classification: Likely benign for Early-onset myopathy with fatal cardiomyopathy. Last evaluated: 2018-01-13. Review status: criteria provided, single submitter. Criteria: ICSL Variant Classification Criteria 13 December 2019. Collection method: clinical testing. Allele origin: germline.
Comment: This variant was observed in the ICSL laboratory as part of a predisposition screen in an ostensibly healthy population. It had not been previously curated by ICSL or reported in the Human Gene Mutation Database (HGMD: prior to June 1st, 2018), and was therefore a candidate for classification through an automated scoring system. Utilizing variant allele frequency, disease prevalence and penetrance estimates, and inheritance mode, an automated score was calculated to assess if this variant is too frequent to cause the disease. Based on the score and internal cut-off values, a variant classified as likely benign is not then subjected to further curation. The score for this variant resulted in a classification of likely benign for this disease.

Illumina Laboratory Services, Illumina
Classification: Benign for Tibial muscular dystrophy. Last evaluated: 2018-01-13. Review status: criteria provided, single submitter. Criteria: ICSL Variant Classification Criteria 13 December 2019. Collection method: clinical testing. Allele origin: germline.
Comment: the same text as in the submission from Illumina Laboratory Services, Illumina above.

Illumina Laboratory Services, Illumina
Classification: Likely benign for Dilated cardiomyopathy 1G. Last evaluated: 2018-01-13. Review status: criteria provided, single submitter. Criteria: ICSL Variant Classification Criteria 13 December 2019. Collection method: clinical testing. Allele origin: germline.
Comment: the same text as in the submission from Illumina Laboratory Services, Illumina above.

Illumina Laboratory Services, Illumina
Classification: Likely benign for Autosomal recessive limb-girdle muscular dystrophy type 2J. Last evaluated: 2018-01-13. Review status: criteria provided, single submitter. Criteria: ICSL Variant Classification Criteria 13 December 2019. Collection method: clinical testing. Allele origin: germline.
Comment: the same text as in the submission from Illumina Laboratory Services, Illumina above.

CHEO Genetics Diagnostic Laboratory, Children's Hospital of Eastern Ontario
Classification: Benign for Cardiomyopathy. Last evaluated: 2016-11-24. Review status: criteria provided, single submitter. Criteria: ACMG Guidelines, 2015. Collection method: clinical testing. Allele origin: germline. Study: Canadian Open Genetics Repository.

GeneDx
Classification: Benign. Last evaluated: 2013-04-28. Review status: criteria provided, single submitter. Criteria: GeneDx Variant Classification (06012015). Collection method: clinical testing. Allele origin: germline. Affected: yes.
Comment: This variant is considered likely benign or benign based on one or more of the following criteria: it is a conservative change, it occurs at a poorly conserved position in the protein, it is predicted to be benign by multiple in silico algorithms, and/or has population frequency not consistent with disease.

Ambry Genetics
Classification: Likely benign for Cardiovascular phenotype. Last evaluated: 2012-08-08. Review status: criteria provided, single submitter. Criteria: Ambry Autosomal Dominant and X-Linked criteria (10/2015). Collection method: clinical testing. Allele origin: germline. Observed: 1 variant allele.

Laboratory for Molecular Medicine, Mass General Brigham Personalized Medicine
Classification: Benign. Last evaluated: 2012-05-10. Review status: criteria provided, single submitter. Criteria: LMM Criteria. Collection method: clinical testing. Allele origin: germline. Observed: 43 variant alleles.
Comment: Thr16275Thr in Exon 239 of TTN: This variant is not expected to have clinical si gnificance because it does not alter an amino acid residue, is not located withi n the splice consensus sequence and has been identified in 1.1% (75/6646) of Eur opean American chromosomes from a broad population by the NHLBI Exome Sequencing Project (dbSNP rs72646827).

Breakthrough Genomics
Classification: Likely benign. Review status: criteria provided, single submitter. Criteria: ACMG Guidelines, 2015. Collection method: not provided. Allele origin: germline. Inheritance: Autosomal recessive inheritance. Affected: yes.

Clinical Genetics DNA and cytogenetics Diagnostics Lab, Erasmus MC, Erasmus Medical Center
Classification: Benign. Review status: no assertion criteria provided. Collection method: clinical testing. Allele origin: germline. Affected: yes. Study: VKGL Data-share Consensus. Not counted in ClinVar's aggregate classification.

Clinical Genetics, Academic Medical Center
Classification: Benign. Review status: no assertion criteria provided. Collection method: clinical testing. Allele origin: germline. Affected: yes. Study: VKGL Data-share Consensus. Not counted in ClinVar's aggregate classification.

Diagnostic Laboratory, Department of Genetics, University Medical Center Groningen
Classification: Likely benign. Review status: no assertion criteria provided. Collection method: clinical testing. Allele origin: germline. Affected: yes. Study: VKGL Data-share Consensus. Not counted in ClinVar's aggregate classification.

Genetic Services Laboratory, University of Chicago
Classification: Likely benign for AllHighlyPenetrant. Review status: no assertion criteria provided. Collection method: clinical testing. Allele origin: germline. Not counted in ClinVar's aggregate classification.
Comment: Likely benign based on allele frequency in 1000 Genomes Project or ESP global frequency and its presence in a patient with a rare or unrelated disease phenotype. NOT Sanger confirmed.

Joint Genome Diagnostic Labs from Nijmegen and Maastricht, Radboudumc and MUMC+
Classification: Benign. Review status: no assertion criteria provided. Collection method: clinical testing. Allele origin: germline. Affected: yes. Study: VKGL Data-share Consensus. Not counted in ClinVar's aggregate classification.

Laboratory of Diagnostic Genome Analysis, Leiden University Medical Center (LUMC)
Classification: Likely benign. Review status: no assertion criteria provided. Collection method: clinical testing. Allele origin: germline. Affected: yes. Study: VKGL Data-share Consensus. Not counted in ClinVar's aggregate classification.